The following is an entry in ClinVar:

NM_005629.4(SLC6A8):c.1468dup (p.Glu490fs)

Gene: SLC6A8 (solute carrier family 6 member 8; plus strand). Cytogenetic location: Xq28.
Variant type: Duplication.
Coding change: c.1468dup on transcript NM_005629.4 (MANE Select); coding-DNA position 1468, one base duplicated (G; older notation c.1468dupG).
Protein change: p.Glu490fs; shifts the reading frame from glutamic acid 490.
Molecular consequence: frameshift variant.
Genome position (GRCh38, 1-based): chrX:153,694,419, G duplicated; the last of 3 consecutive G bases (chrX:153,694,417-153,694,419); duplicating any one gives the same sequence. VCF-style (leftmost placement, unchanged base first): chrX-153694416-T-TG. GRCh37 (hg19) VCF-style: chrX-152959871-T-TG.
Other names: c.1468dupG (NM_005629.4); c.1438dup, p.Glu480fs (NM_001142805.2); c.1123dup, p.Glu375fs (NM_001142806.1); short protein forms E375fs, E480fs, E490fs.
Identifiers: ClinVar variation 3385009 (VCV003385009.1).

ClinVar aggregate classification (germline): Pathogenic (1 of 4 stars; one submission).

Conditions:
Creatine transporter deficiency (CCDS1). Also called: Creatine Transporter (CRTR) Deficiency; Mental retardation , X-linked with seizures, short stature and midface hypoplasia; Mental retardation , X-linked, with creatine transport deficiency; X-linked creatine transporter deficiency; X-linked creatine deficiency syndrome; SLC6A8-Related Creatine Transporter Deficiency. Identifiers: Orphanet 52503, MedGen C1845862, MONDO:0010305, OMIM 300352.

Submission:

Women's Health and Genetics/Laboratory Corporation of America, LabCorp
Classification: Pathogenic for Creatine transporter deficiency. Last evaluated: 2024-10-01. Review status: criteria provided, single submitter. Criteria: LabCorp Variant Classification Summary - May 2015. Collection method: clinical testing. Allele origin: germline.
Comment: Variant summary: SLC6A8 c.1468dupG (p.Glu490GlyfsX12) results in a premature termination codon, predicted to cause a truncation of the encoded protein or absence of the protein due to nonsense mediated decay, which are commonly known mechanisms for disease. The variant was absent in 182700 control chromosomes. To our knowledge, no occurrence of c.1468dupG in individuals affected with Creatine Deficiency, X-Linked and no experimental evidence demonstrating its impact on protein function have been reported. No submitters have cited clinical-significance assessments for this variant to ClinVar. Based on the evidence outlined above, the variant was classified as pathogenic.